The following is an entry in ClinVar:

NM_152743.4(BRAT1):c.488C>A (p.Ala163Glu)

Gene: BRAT1 (BRCA1 associated ATM activator 1; minus strand). Cytogenetic location: 7p22.3.
Variant type: single nucleotide variant.
Coding change: c.488C>A on transcript NM_152743.4 (MANE Select); coding-DNA position 488, C replaced by A.
Protein change: p.Ala163Glu; replaces alanine 163 with glutamic acid.
Molecular consequence: missense variant. On other transcripts: 5 prime UTR variant (1), non-coding transcript variant (1).
Genome position (GRCh38, 1-based): chr7:2,543,905, G>T on the plus strand (C>A on the coding strand, the complement: BRAT1 is on the minus strand). VCF-style: chr7-2543905-G-T. GRCh37 (hg19) VCF-style: chr7-2583539-G-T.
Other names: c.488C>A, p.Ala163Glu (NM_001350626.2); c.-38C>A (NM_001350627.2); short protein forms A163E.
Identifiers: ClinVar variation 2107155 (VCV002107155.4), dbSNP rs766864373, ClinGen allele CA366632382.

ClinVar aggregate classification (germline): Uncertain significance (1 of 4 stars; one submission).

Conditions:
Neonatal-onset encephalopathy with rigidity and seizures. Also called: Lethal neonatal spasticity-epileptic encephalopathy syndrome. Identifiers: Orphanet 435845, MedGen C3281029, MONDO:0013784, OMIM 614498.

Submission:

Labcorp Genetics (formerly Invitae), Labcorp
Classification: Uncertain significance for Neonatal-onset encephalopathy with rigidity and seizures. Last evaluated: 2022-06-02. Review status: criteria provided, single submitter. Criteria: Invitae Variant Classification Sherloc (09022015). Collection method: clinical testing. Allele origin: germline.
Comment: In summary, the available evidence is currently insufficient to determine the role of this variant in disease. Therefore, it has been classified as a Variant of Uncertain Significance. Algorithms developed to predict the effect of missense changes on protein structure and function (SIFT, PolyPhen-2, Align-GVGD) all suggest that this variant is likely to be disruptive. This variant has not been reported in the literature in individuals affected with BRAT1-related conditions. This variant is not present in population databases (gnomAD no frequency). This sequence change replaces alanine, which is neutral and non-polar, with glutamic acid, which is acidic and polar, at codon 163 of the BRAT1 protein (p.Ala163Glu).